The following is an entry in ClinVar:

NM_001370298.3(FGD4):c.1372C>T (p.Pro458Ser)

Gene: FGD4 (FYVE, RhoGEF and PH domain containing 4; plus strand). Cytogenetic location: 12p11.21.
Variant type: single nucleotide variant.
Coding change: c.1372C>T on transcript NM_001370298.3 (MANE Select); coding-DNA position 1372, C replaced by T.
Protein change: p.Pro458Ser; replaces proline 458 with serine.
Molecular consequence: missense variant. On other transcripts: 5 prime UTR variant (1).
Genome position (GRCh38, 1-based): chr12:32,602,285, C>T. VCF-style: chr12-32602285-C-T. GRCh37 (hg19) VCF-style: chr12-32755219-C-T.
Other names: c.1216C>T, p.Pro406Ser (NM_001304481.2); c.217C>T, p.Pro73Ser (NM_001304483.2); c.-91C>T (NM_001304484.2); c.682C>T, p.Pro228Ser (NM_001330373.2, NM_001330374.2, NM_001384130.1); c.409C>T, p.Pro137Ser (NM_001370297.1); c.1372C>T, p.Pro458Ser (NM_001384126.1); c.961C>T, p.Pro321Ser (NM_001384127.1, NM_001384128.1, NM_001385118.1 and 1 more transcripts); short protein forms P137S, P228S, P321S, P406S, P458S, P73S.
Identifiers: ClinVar variation 1441373 (VCV001441373.7), dbSNP rs2136659608, ClinGen allele CA384358910.
Genomic context (GRCh38, chr12:32,602,285, plus strand): 5'-GAATATGTGAAAGGATTTGATAATGCAATGGAATTGGTTAAAAACATGACAGAACGTATT[C>T]CCCAGTTCAAATCAGTGGTTGAAGAAATTCAGGTAATAGGACTGTTTTGTTCAAAGCTAT-3'
Protein context (NP_001357227.2, residues 448-468): ELVKNMTERI[Pro458Ser]QFKSVVEEIQ

ClinVar aggregate classification (germline): Uncertain significance (1 of 4 stars; one submission).

Conditions:
Charcot-Marie-Tooth disease type 4. Also called: Charcot-Marie-Tooth disease, type IV; Charcot-Marie-Tooth, Type 4. Identifiers: Orphanet 64749, MedGen C4082197, MONDO:0018995.

Submission:

Labcorp Genetics (formerly Invitae), Labcorp
Classification: Uncertain significance for Charcot-Marie-Tooth disease type 4. Last evaluated: 2022-11-22. Review status: criteria provided, single submitter. Criteria: Invitae Variant Classification Sherloc (09022015). Collection method: clinical testing. Allele origin: germline.
Comment: In summary, the available evidence is currently insufficient to determine the role of this variant in disease. Therefore, it has been classified as a Variant of Uncertain Significance. Advanced modeling of protein sequence and biophysical properties (such as structural, functional, and spatial information, amino acid conservation, physicochemical variation, residue mobility, and thermodynamic stability) performed at Invitae indicates that this missense variant is not expected to disrupt FGD4 protein function. ClinVar contains an entry for this variant (Variation ID: 1441373). This variant has not been reported in the literature in individuals affected with FGD4-related conditions. This variant is not present in population databases (gnomAD no frequency). This sequence change replaces proline, which is neutral and non-polar, with serine, which is neutral and polar, at codon 321 of the FGD4 protein (p.Pro321Ser).